The following is an entry in ClinVar:

NM_003073.5(SMARCB1):c.665T>C (p.Leu222Pro)

Gene: SMARCB1 (SWI/SNF related BAF chromatin remodeling complex subunit B1; plus strand). Cytogenetic location: 22q11.23.
Variant type: single nucleotide variant.
Coding change: c.665T>C on transcript NM_003073.5 (MANE Select); coding-DNA position 665, T replaced by C.
Protein change: p.Leu222Pro; replaces leucine 222 with proline.
Molecular consequence: missense variant.
Genome position (GRCh38, 1-based): chr22:23,816,806, T>C. VCF-style: chr22-23816806-T-C. GRCh37 (hg19) VCF-style: chr22-24158993-T-C.
Other names: c.638T>C, p.Leu213Pro (NM_001007468.3); c.692T>C, p.Leu231Pro (NM_001317946.2); c.719T>C, p.Leu240Pro (NM_001362877.2); short protein forms L213P, L222P, L231P, L240P.
Identifiers: ClinVar variation 2829790 (VCV002829790.4), dbSNP rs2146009534, ClinGen allele CA410901157.

ClinVar aggregate classification (germline): Uncertain significance. Review status: criteria provided, multiple submitters, no conflicts (2 of 4 stars). 2 submissions from 2 submitters: Uncertain significance (2). Last evaluated 2024-12-14.

Conditions:
Hereditary cancer-predisposing syndrome. Also called: Neoplastic Syndromes, Hereditary; Tumor predisposition; Hereditary Cancer Syndrome; Hereditary neoplastic syndrome. Identifiers: Orphanet 140162, MedGen C0027672, MeSH D009386, MONDO:0015356.

Submissions (2):

Ambry Genetics
Classification: Uncertain significance for Hereditary cancer-predisposing syndrome. Last evaluated: 2024-12-14. Review status: criteria provided, single submitter. Criteria: Ambry Variant Classification Scheme 2023. Collection method: clinical testing. Allele origin: germline.
Comment: The p.L222P variant (also known as c.665T>C), located in coding exon 6 of the SMARCB1 gene, results from a T to C substitution at nucleotide position 665. The leucine at codon 222 is replaced by proline, an amino acid with similar properties. This amino acid position is conserved. In addition, this alteration is predicted to be deleterious by in silico analysis. Based on the available evidence, the clinical significance of this variant remains unclear.

Labcorp Genetics (formerly Invitae), Labcorp
Classification: Uncertain significance. Last evaluated: 2023-01-18. Review status: criteria provided, single submitter. Criteria: Invitae Variant Classification Sherloc (09022015). Collection method: clinical testing. Allele origin: germline.
Comment: In summary, the available evidence is currently insufficient to determine the role of this variant in disease. Therefore, it has been classified as a Variant of Uncertain Significance. Advanced modeling of protein sequence and biophysical properties (such as structural, functional, and spatial information, amino acid conservation, physicochemical variation, residue mobility, and thermodynamic stability) performed at Invitae indicates that this missense variant is expected to disrupt SMARCB1 protein function. This variant has not been reported in the literature in individuals affected with SMARCB1-related conditions. This variant is not present in population databases (gnomAD no frequency). This sequence change replaces leucine, which is neutral and non-polar, with proline, which is neutral and non-polar, at codon 222 of the SMARCB1 protein (p.Leu222Pro).